The following is an entry in ClinVar:

NM_001083962.2(TCF4):c.317G>C (p.Arg106Thr)

Gene: TCF4 (transcription factor 4; minus strand). Cytogenetic location: 18q21.2.
Variant type: single nucleotide variant.
Coding change: c.317G>C on transcript NM_001083962.2 (MANE Select); coding-DNA position 317, G replaced by C.
Protein change: p.Arg106Thr; replaces arginine 106 with threonine.
Molecular consequence: missense variant. On other transcripts: 5 prime UTR variant (3).
Genome position (GRCh38, 1-based): chr18:55,403,506, C>G on the plus strand (G>C on the coding strand, the complement: TCF4 is on the minus strand). VCF-style: chr18-55403506-C-G. GRCh37 (hg19) VCF-style: chr18-53070737-C-G.
Other names: c.623G>C, p.Arg208Thr (NM_001243226.3); c.245G>C, p.Arg82Thr (NM_001243227.2, NM_001306207.1, NM_001348217.1 and 15 more transcripts); c.317G>C, p.Arg106Thr (NM_001243228.2, NM_001330604.3, NM_001369567.1 and 8 more transcripts); c.311G>C, p.Arg104Thr (NM_001243230.2); c.191G>C, p.Arg64Thr (NM_001243231.2, NM_001348211.2); c.107G>C, p.Arg36Thr (NM_001243232.1, NM_001306208.1); c.-74G>C (NM_001243233.2, NM_001348213.2); c.-71G>C (NM_001348212.2); short protein forms R104T, R106T, R208T, R36T, R64T, R82T.
Identifiers: ClinVar variation 3343796 (VCV003343796.2).

ClinVar aggregate classification (germline): Uncertain significance (1 of 4 stars; one submission).

Submission:

GeneDx
Classification: Uncertain significance. Last evaluated: 2024-09-30. Review status: criteria provided, single submitter. Criteria: GeneDx Variant Classification Process June 2021. Collection method: clinical testing. Allele origin: germline.
Comment: Not observed at significant frequency in large population cohorts (gnomAD); In silico analysis supports that this missense variant has a deleterious effect on protein structure/function; Has not been previously published as pathogenic or benign to our knowledge; This variant is associated with the following publications: (PMID: 27535533)